The following is an entry in ClinVar:

NM_030912.3(TRIM8):c.739C>G (p.Leu247Val)

Gene: TRIM8 (tripartite motif containing 8; plus strand). Cytogenetic location: 10q24.32.
Variant type: single nucleotide variant.
Coding change: c.739C>G on transcript NM_030912.3 (MANE Select); coding-DNA position 739, C replaced by G.
Protein change: p.Leu247Val; replaces leucine 247 with valine.
Molecular consequence: missense variant. On other transcripts: non-coding transcript variant (1).
Genome position (GRCh38, 1-based): chr10:102,655,152, C>G. VCF-style: chr10-102655152-C-G. GRCh37 (hg19) VCF-style: chr10-104414909-C-G.
Other names: c.643C>G, p.Leu215Val (NM_001345950.1); short protein forms L215V, L247V.
Identifiers: ClinVar variation 4694775 (VCV004694775.1).
Genomic context (GRCh38, chr10:102,655,152, plus strand): 5'-CAACTGAAGGAGGAAGTTCGGCTGCAGTACGAGAAGCTGCACCAGCTGCTGGACGAGGAC[C>G]TGCGGCAGACAGTGGAGGTCCTAGACAAGGCCCAGGCCAAGTTCTGCAGCGAGAACGCAG-3'
Protein context (NP_112174.2, residues 237-257): EKLHQLLDED[Leu247Val]RQTVEVLDKA

ClinVar aggregate classification (germline): Uncertain significance (1 of 4 stars; one submission).

gnomAD v4.1: 4 of 1,612,076 alleles (0.00025%); highest among the groups gnomAD compares: Non-Finnish European, 0.00034%; no homozygotes.

Submission:

Labcorp Genetics (formerly Invitae), Labcorp
Classification: Uncertain significance. Last evaluated: 2026-01-09. Review status: criteria provided, single submitter. Criteria: Invitae Variant Classification Sherloc (09022015). Collection method: clinical testing. Allele origin: germline.
Comment: This sequence change replaces leucine, which is neutral and non-polar, with valine, which is neutral and non-polar, at codon 247 of the TRIM8 protein (p.Leu247Val). This variant is present in population databases (no rsID available, gnomAD 0.0009%). This variant has not been reported in the literature in individuals affected with TRIM8-related conditions. An algorithm developed to predict the effect of missense changes on protein structure and function (PolyPhen-2) suggests that this variant is likely to be disruptive. In summary, the available evidence is currently insufficient to determine the role of this variant in disease. Therefore, it has been classified as a Variant of Uncertain Significance.